The following is an entry in ClinVar:

NM_033641.4(COL4A6):c.556G>A (p.Gly186Arg)

Gene: COL4A6 (collagen type IV alpha 6 chain; minus strand). Cytogenetic location: Xq22.3.
Variant type: single nucleotide variant.
Coding change: c.556G>A on transcript NM_033641.4 (MANE Select); coding-DNA position 556, G replaced by A.
Protein change: p.Gly186Arg; replaces glycine 186 with arginine.
Molecular consequence: missense variant.
Genome position (GRCh38, 1-based): chrX:108,206,571, C>T on the plus strand (G>A on the coding strand, the complement: COL4A6 is on the minus strand). VCF-style: chrX-108206571-C-T. GRCh37 (hg19) VCF-style: chrX-107449801-C-T.
Other names: c.556G>A, p.Gly186Arg (NM_001287758.2, NM_001287759.2, NM_001287760.2); c.559G>A, p.Gly187Arg (NM_001847.4); c.559G>A (NM_001847.2); short protein forms G187R, G186R.
Identifiers: ClinVar variation 2767307 (VCV002767307.4), dbSNP rs2522294105, ClinGen allele CA413903443.

ClinVar aggregate classification (germline): Uncertain significance. Review status: criteria provided, multiple submitters, no conflicts (2 of 4 stars). 2 submissions from 2 submitters: Uncertain significance (2). Last evaluated 2025-08-05.

Submissions (2):

Ambry Genetics
Classification: Uncertain significance. Last evaluated: 2025-08-05. Review status: criteria provided, single submitter. Criteria: Ambry Variant Classification Scheme 2023. Collection method: clinical testing. Allele origin: germline.

Labcorp Genetics (formerly Invitae), Labcorp
Classification: Uncertain significance. Last evaluated: 2023-10-09. Review status: criteria provided, single submitter. Criteria: Invitae Variant Classification Sherloc (09022015). Collection method: clinical testing. Allele origin: germline.
Comment: This sequence change replaces glycine, which is neutral and non-polar, with arginine, which is basic and polar, at codon 187 of the COL4A6 protein (p.Gly187Arg). This variant is not present in population databases (gnomAD no frequency). This variant has not been reported in the literature in individuals affected with COL4A6-related conditions. Advanced modeling of protein sequence and biophysical properties (such as structural, functional, and spatial information, amino acid conservation, physicochemical variation, residue mobility, and thermodynamic stability) performed at Invitae indicates that this missense variant is expected to disrupt COL4A6 protein function. In summary, the available evidence is currently insufficient to determine the role of this variant in disease. Therefore, it has been classified as a Variant of Uncertain Significance.